The following is an entry in ClinVar:

NM_178857.6(RP1L1):c.2441A>G (p.Glu814Gly)

Gene: RP1L1 (RP1 like 1). Cytogenetic location: 8p23.1.
Variant type: single nucleotide variant.
Coding change: c.2441A>G on transcript NM_178857.6 (MANE Select); coding-DNA position 2441, A replaced by G.
Protein change: p.Glu814Gly; replaces glutamic acid 814 with glycine.
Molecular consequence: missense variant.
Genome position (GRCh38, 1-based): chr8:10,611,657, T>C on the plus strand (A>G on the coding strand, the complement: RP1L1 is on the minus strand). VCF-style: chr8-10611657-T-C. GRCh37 (hg19) VCF-style: chr8-10469167-T-C.
Other names: short protein forms E814G.
Identifiers: ClinVar variation 361344 (VCV000361344.8), dbSNP rs190447684, ClinGen allele CA4624830.

ClinVar aggregate classification (germline): Benign/Likely benign. Review status: criteria provided, multiple submitters, no conflicts (2 of 4 stars). 4 submissions from 4 submitters: Benign (2); Likely benign (1). 1 of the submissions does not count toward it. Last evaluated 2023-10-01.

Conditions:
Occult macular dystrophy (OCMD). Also called: OMD; OCCULT MACULAR DYSTROPHY, SUSCEPTIBILITY TO. Identifiers: Orphanet 247834, MedGen C3150833, MONDO:0013316, OMIM 613587, HP:0030636.
RP1L1-related disorder. Also called: RP1L1-related condition.
Retinal dystrophy. Also called: Inherited retinal dystrophy. Identifiers: Orphanet 71862, MedGen C0854723, MeSH D058499, MONDO:0019118, HP:0000556.

Allele frequency attached by ClinVar (database versions not stated): TOPMed 0.00016; ExAC 0.00024; gnomAD exomes 0.00026 and 0.00005; 1000 Genomes Project 30x 0.00078; 1000 Genomes Project 0.00080; gnomAD 0.00005.

Submissions (4):

Dept Of Ophthalmology, Nagoya University
Classification: Likely benign for Retinal dystrophy. Last evaluated: 2023-10-01. Review status: criteria provided, single submitter. Criteria: Submitter's publication. Collection method: research. Allele origin: germline. Affected: yes.

Illumina Laboratory Services, Illumina
Classification: Benign for Occult macular dystrophy. Last evaluated: 2018-01-13. Review status: criteria provided, single submitter. Criteria: ICSL Variant Classification Criteria 13 December 2019. Collection method: clinical testing. Allele origin: germline.
Comment: This variant was observed in the ICSL laboratory as part of a predisposition screen in an ostensibly healthy population. It had not been previously curated by ICSL or reported in the Human Gene Mutation Database (HGMD: prior to June 1st, 2018), and was therefore a candidate for classification through an automated scoring system. Utilizing variant allele frequency, disease prevalence and penetrance estimates, and inheritance mode, an automated score was calculated to assess if this variant is too frequent to cause the disease. Based on the score and internal cut-off values, a variant classified as benign is not then subjected to further curation. The score for this variant resulted in a classification of benign for this disease.

Breakthrough Genomics
Classification: Benign. Review status: criteria provided, single submitter. Criteria: ACMG Guidelines, 2015. Collection method: not provided. Allele origin: germline. Inheritance: Autosomal recessive inheritance. Affected: yes.

PreventionGenetics, part of Exact Sciences
Classification: Likely benign for RP1L1-related condition. Last evaluated: 2024-09-15. Review status: no assertion criteria provided. Collection method: clinical testing. Allele origin: germline. Not counted in ClinVar's aggregate classification.
Comment: This variant is classified as likely benign based on ACMG/AMP sequence variant interpretation guidelines (Richards et al. 2015 PMID: 25741868, with internal and published modifications).